The following is an entry in ClinVar:

NM_000051.4(ATM):c.5799G>C (p.Trp1933Cys)

Genes: ATM (ATM serine/threonine kinase; plus strand), C11orf65 (chromosome 11 open reading frame 65; minus strand). Cytogenetic location: 11q22.3.
Variant type: single nucleotide variant.
Coding change: c.5799G>C on transcript NM_000051.4 (MANE Select); coding-DNA position 5799, G replaced by C.
Protein change: p.Trp1933Cys; replaces tryptophan 1933 with cysteine.
Molecular consequence: missense variant. On other transcripts: intron variant (2).
Genome position (GRCh38, 1-based): chr11:108,310,196, G>C. VCF-style: chr11-108310196-G-C. GRCh37 (hg19) VCF-style: chr11-108180923-G-C.
Other names: c.5799G>C, p.Trp1933Cys (NM_001351834.2); c.641-1125C>G (NM_001330368.2); c.*39-1125C>G (NM_001351110.2); short protein forms W1933C.
Identifiers: ClinVar variation 854088 (VCV000854088.10), dbSNP rs2084026241, ClinGen allele CA382548350.

ClinVar aggregate classification (germline): Uncertain significance (1 of 4 stars; one submission).

Conditions:
Ataxia-telangiectasia syndrome (AT). Also called: ATAXIA-TELANGIECTASIA, COMPLEMENTATION GROUP A; ATAXIA-TELANGIECTASIA, FRESNO VARIANT; Ataxia-telangiectasia; Ataxia-telangiectasia, complementation group D; AT, COMPLEMENTATION GROUP C; Ataxia-telangiectasia, complementation group E. Identifiers: Orphanet 100, MedGen C0004135, MONDO:0008840, OMIM 208900.

gnomAD v4.1: 1 of 1,613,388 alleles (0.000062%); no homozygotes.

Submission:

Labcorp Genetics (formerly Invitae), Labcorp
Classification: Uncertain significance for Ataxia-telangiectasia syndrome. Last evaluated: 2019-05-09. Review status: criteria provided, single submitter. Criteria: Invitae Variant Classification Sherloc (09022015). Collection method: clinical testing. Allele origin: germline.
Comment: In summary, the available evidence is currently insufficient to determine the role of this variant in disease. Therefore, it has been classified as a Variant of Uncertain Significance. Algorithms developed to predict the effect of missense changes on protein structure and function (SIFT, PolyPhen-2, Align-GVGD) all suggest that this variant is likely to be disruptive, but these predictions have not been confirmed by published functional studies and their clinical significance is uncertain. This variant has not been reported in the literature in individuals with ATM-related conditions. This variant is not present in population databases (ExAC no frequency). This sequence change replaces tryptophan with cysteine at codon 1933 of the ATM protein (p.Trp1933Cys). The tryptophan residue is highly conserved and there is a large physicochemical difference between tryptophan and cysteine.